The following is an entry in ClinVar:

ClinVar aggregate classification (germline): Uncertain significance (1 of 4 stars; one submission).

Allele frequency attached by ClinVar (database versions not stated): ExAC 0.00001; gnomAD exomes 0.00001; TOPMed 0.00002; ESP Exome Variant Server 0.00008.
gnomAD v4.1: 19 of 1,613,158 alleles (0.0012%); highest among the groups gnomAD compares: Admixed American, 0.013%; no homozygotes.

Submission:

Labcorp Genetics (formerly Invitae), Labcorp
Classification: Uncertain significance. Last evaluated: 2025-04-23. Review status: criteria provided, single submitter. Criteria: Invitae Variant Classification Sherloc (09022015). Collection method: clinical testing. Allele origin: germline.
Comment: This sequence change replaces proline, which is neutral and non-polar, with leucine, which is neutral and non-polar, at codon 154 of the TEAD1 protein (p.Pro154Leu). This variant is present in population databases (rs140390128, gnomAD 0.007%). This variant has not been reported in the literature in individuals affected with TEAD1-related conditions. ClinVar contains an entry for this variant (Variation ID: 1001059). Invitae Evidence Modeling of protein sequence and biophysical properties (such as structural, functional, and spatial information, amino acid conservation, physicochemical variation, residue mobility, and thermodynamic stability) indicates that this missense variant is not expected to disrupt TEAD1 protein function with a negative predictive value of 80%. In summary, the available evidence is currently insufficient to determine the role of this variant in disease. Therefore, it has been classified as a Variant of Uncertain Significance.

NM_021961.6(TEAD1):c.461C>T (p.Pro154Leu)

Gene: TEAD1 (TEA domain transcription factor 1; plus strand). Cytogenetic location: 11p15.3.
Variant type: single nucleotide variant.
Coding change: c.461C>T on transcript NM_021961.6 (MANE Select); coding-DNA position 461, C replaced by T.
Protein change: p.Pro154Leu; replaces proline 154 with leucine.
Molecular consequence: missense variant.
Genome position (GRCh38, 1-based): chr11:12,879,838, C>T. VCF-style: chr11-12879838-C-T. GRCh37 (hg19) VCF-style: chr11-12901385-C-T.
Other names: short protein forms P154L.
Identifiers: ClinVar variation 1001059 (VCV001001059.10), dbSNP rs140390128, ClinGen allele CA5891599.